The following is an entry in ClinVar:

ClinVar aggregate classification (germline): Uncertain significance (1 of 4 stars; one submission).

Conditions:
Hereditary pheochromocytoma and paraganglioma. Also called: Hereditary paragangliomas and pheochromocytomas; Hereditary Paraganglioma-Pheochromocytoma Syndromes; Hereditary pheochromocytoma-paraganglioma. Identifiers: Orphanet 29072, MedGen C4274332, MONDO:0017366.

Submission:

Labcorp Genetics (formerly Invitae), Labcorp
Classification: Uncertain significance for Hereditary pheochromocytoma and paraganglioma. Last evaluated: 2021-09-15. Review status: criteria provided, single submitter. Criteria: Invitae Variant Classification Sherloc (09022015). Collection method: clinical testing. Allele origin: germline.
Comment: In summary, the available evidence is currently insufficient to determine the role of this variant in disease. Therefore, it has been classified as a Variant of Uncertain Significance. This variant has not been reported in the literature in individuals affected with SDHAF2-related conditions. This variant is a gross deletion of the genomic region encompassing exon(s) 2-3 of the SDHAF2 gene. While this deletion is not anticipated to lead to nonsense mediated decay, it is expected to disrupt the C-terminus of the protein.

NC_000011.9:g.(?_61205087)_(61205595_?)del

Gene: SDHAF2 (succinate dehydrogenase complex assembly factor 2; plus strand). Cytogenetic location: 11q12.2.
Variant type: Deletion.
Identifiers: ClinVar variation 1449472 (VCV001449472.4).